The following is an entry in ClinVar:

ClinVar aggregate classification (germline): Conflicting classifications of pathogenicity. Review status: criteria provided, conflicting classifications (1 of 4 stars). 9 submissions from 9 submitters: Uncertain significance (8); Likely benign (1). Last evaluated 2024-08-19.

Conditions:
Arrhythmogenic right ventricular dysplasia 5. Also called: Arrhythmogenic Right Ventricular Dysplasia/Cardiomyopathy 5; ARRHYTHMOGENIC RIGHT VENTRICULAR DYSPLASIA, FAMILIAL, 5. Identifiers: MedGen C1858379, MONDO:0011459, OMIM 604400.
Cardiovascular phenotype. Identifiers: MedGen CN230736.
Cardiomyopathy (CMYO). Also called: Cardiomyopathies. Identifiers: Orphanet 167848, MedGen C0878544, MONDO:0004994, HP:0001638. Inheritance: Various modes of inheritance.

Allele frequency attached by ClinVar (database versions not stated): gnomAD 0.00004; gnomAD exomes 0.00004 and 0.00002; TOPMed 0.00005; ESP Exome Variant Server 0.00008; ExAC 0.00002.
gnomAD v4.1: 60 of 1,614,088 alleles (0.0037%); highest among the groups gnomAD compares: Non-Finnish European, 0.0047%; no homozygotes.

Submissions (9):

All of Us Research Program, National Institutes of Health
Classification: Uncertain significance for Arrhythmogenic right ventricular dysplasia 5. Last evaluated: 2024-08-19. Review status: criteria provided, single submitter. Criteria: ACMG Guidelines, 2015. Collection method: clinical testing. Allele origin: germline. Inheritance: Autosomal dominant inheritance. Observed: 17 variant alleles, 17 heterozygotes.
Comment: This missense variant replaces aspartic acid with glutamic acid at codon 342 of the TMEM43 protein. Computational prediction suggests that this variant may not impact protein structure and function (internally defined REVEL score threshold <= 0.5, PMID: 27666373). To our knowledge, functional studies have not been reported for this variant. Different nucleotide changes (c.1026C>T, c.1026C>G) with the same protein consequence have been reported in an ostensibly healthy individual (PMID: 23812740) and in an individual with features of arrhythmogenic cardiomyopathy (PMID: 33652588). This variant has been identified in 6/282152 chromosomes in the general population by the Genome Aggregation Database (gnomAD). The available evidence is insufficient to determine the role of this variant in disease conclusively. Therefore, this variant is classified as a Variant of Uncertain Significance.

This study involves interpretation of variants in research participants for the purpose of population health screening. Participant phenotype was not available at the time of variant classification. Additional details can be found in publication PMID: 35346344, PMCID: PMC8962531

Labcorp Genetics (formerly Invitae), Labcorp
Classification: Uncertain significance for Arrhythmogenic right ventricular dysplasia 5. Last evaluated: 2024-06-05. Review status: criteria provided, single submitter. Criteria: Invitae Variant Classification Sherloc (09022015). Collection method: clinical testing. Allele origin: germline.
Comment: This sequence change replaces aspartic acid, which is acidic and polar, with glutamic acid, which is acidic and polar, at codon 342 of the TMEM43 protein (p.Asp342Glu). This variant is present in population databases (rs376514478, gnomAD 0.005%). This variant has not been reported in the literature in individuals affected with TMEM43-related conditions. ClinVar contains an entry for this variant (Variation ID: 629721). Advanced modeling of protein sequence and biophysical properties (such as structural, functional, and spatial information, amino acid conservation, physicochemical variation, residue mobility, and thermodynamic stability) performed at Invitae indicates that this missense variant is not expected to disrupt TMEM43 protein function with a negative predictive value of 80%. In summary, the available evidence is currently insufficient to determine the role of this variant in disease. Therefore, it has been classified as a Variant of Uncertain Significance.

Color Diagnostics, LLC DBA Color Health
Classification: Uncertain significance for Cardiomyopathy. Last evaluated: 2024-05-28. Review status: criteria provided, single submitter. Criteria: ACMG Guidelines, 2015. Collection method: clinical testing. Allele origin: germline.
Comment: This missense variant replaces aspartic acid with glutamic acid at codon 342 of the TMEM43 protein. Computational prediction suggests that this variant may not impact protein structure and function (internally defined REVEL score threshold <= 0.5, PMID: 27666373). To our knowledge, functional studies have not been reported for this variant. Different nucleotide changes (c.1026C>T, c.1026C>G) with the same protein consequence have been reported in an ostensibly healthy individual (PMID: 23812740) and in an individual with features of arrhythmogenic cardiomyopathy (PMID: 33652588). This variant has been identified in 6/282152 chromosomes in the general population by the Genome Aggregation Database (gnomAD). The available evidence is insufficient to determine the role of this variant in disease conclusively. Therefore, this variant is classified as a Variant of Uncertain Significance.

Revvity Omics, Revvity
Classification: Uncertain significance. Last evaluated: 2023-04-25. Review status: criteria provided, single submitter. Criteria: ACMG Guidelines, 2015. Collection method: clinical testing. Allele origin: germline.

Ambry Genetics
Classification: Likely benign for Cardiovascular phenotype. Last evaluated: 2022-08-30. Review status: criteria provided, single submitter. Criteria: Ambry Variant Classification Scheme 2023. Collection method: clinical testing. Allele origin: germline.

Clinical Genomics Laboratory, Stanford Medicine
Classification: Uncertain significance for Arrhythmogenic right ventricular dysplasia 5. Last evaluated: 2022-07-05. Review status: criteria provided, single submitter. Criteria: ACMG Guidelines, 2015. Collection method: clinical testing. Allele origin: germline. Observed: 1 variant allele, 1 heterozygote.
Comment: The p.Asp342Glu variant in the TMEM43 gene has not been previously reported in association with disease. This variant has been identified in 6/128,460 European (non-Finnish) chromosomes by the Genome Aggregation Database. This variant is present in ClinVar (Accession: VCV000629721.35). Computational tools predict that this variant does not impact protein function; however, the accuracy of in silico algorithms is limited. These data were assessed using the ACMG/AMP variant interpretation guidelines. In summary, the significance of the p.Asp342Glu variant is uncertain. Additional information is needed to resolve the significance of this variant. [ACMG evidence codes used: PM2; BP4]

CeGaT Center for Human Genetics Tuebingen
Classification: Uncertain significance. Last evaluated: 2022-03-01. Review status: criteria provided, single submitter. Criteria: CeGaT Center For Human Genetics Tuebingen Variant Classification Criteria Version 2. Collection method: clinical testing. Allele origin: germline. Affected: yes. Observed: 1 variant allele.

CHEO Genetics Diagnostic Laboratory, Children's Hospital of Eastern Ontario
Classification: Uncertain significance for Cardiomyopathy. Last evaluated: 2021-03-24. Review status: criteria provided, single submitter. Criteria: ACMG Guidelines, 2015. Collection method: clinical testing. Allele origin: germline.

GeneDx
Classification: Uncertain significance. Last evaluated: 2020-06-04. Review status: criteria provided, single submitter. Criteria: GeneDx Variant Classification Process June 2021. Collection method: clinical testing. Allele origin: germline. Affected: yes.
Comment: Has not been previously published as pathogenic or benign in association with disease to our knowledge; Reported in ClinVar as a variant of uncertain significance but additional evidence is not available (ClinVar Variant ID# 629721; Landrum et al., 2016); In silico analysis, which includes protein predictors and evolutionary conservation, supports that this variant does not alter protein structure/function; This variant is associated with the following publications: (PMID: 21636032, 23812740)

Literature cited by the submitters: PubMed 23812740 (cited by 3 submitters); PubMed 33652588 (cited by 3 submitters).

NM_024334.3(TMEM43):c.1026C>A (p.Asp342Glu)

Gene: TMEM43 (transmembrane protein 43; plus strand). Cytogenetic location: 3p25.1.
Variant type: single nucleotide variant.
Coding change: c.1026C>A on transcript NM_024334.3 (MANE Select); coding-DNA position 1026, C replaced by A.
Protein change: p.Asp342Glu; replaces aspartic acid 342 with glutamic acid.
Molecular consequence: missense variant.
Genome position (GRCh38, 1-based): chr3:14,141,618, C>A. VCF-style: chr3-14141618-C-A. GRCh37 (hg19) VCF-style: chr3-14183118-C-A.
Other names: short protein forms D342E.
Identifiers: ClinVar variation 629721 (VCV000629721.46), dbSNP rs376514478, ClinGen allele CA050984.